The following is an entry in ClinVar:

NM_182914.3(SYNE2):c.1276A>G (p.Lys426Glu)

Gene: SYNE2 (spectrin repeat containing nuclear envelope protein 2; plus strand). Cytogenetic location: 14q23.2.
Variant type: single nucleotide variant.
Coding change: c.1276A>G on transcript NM_182914.3 (MANE Select); coding-DNA position 1276, A replaced by G.
Protein change: p.Lys426Glu; replaces lysine 426 with glutamic acid.
Molecular consequence: missense variant.
Genome position (GRCh38, 1-based): chr14:63,976,710, A>G. VCF-style: chr14-63976710-A-G. GRCh37 (hg19) VCF-style: chr14-64443428-A-G.
Other names: c.1276A>G, p.Lys426Glu (NM_015180.6); short protein forms K426E.
Identifiers: ClinVar variation 3689484 (VCV003689484.2).

ClinVar aggregate classification (germline): Uncertain significance (1 of 4 stars; one submission).

Conditions:
Emery-Dreifuss muscular dystrophy 5, autosomal dominant (EDMD5). Also called: EMERY-DREIFUSS MUSCULAR DYSTROPHY 5. Identifiers: Orphanet 261, MedGen C2751805, MONDO:0013072, OMIM 612999.

gnomAD v4.1: 1 of 1,613,906 alleles (0.000062%); highest among the groups gnomAD compares: Non-Finnish European, 0.000085%; no homozygotes.

Submission:

Labcorp Genetics (formerly Invitae), Labcorp
Classification: Uncertain significance for Emery-Dreifuss muscular dystrophy 5, autosomal dominant. Last evaluated: 2024-02-24. Review status: criteria provided, single submitter. Criteria: Invitae Variant Classification Sherloc (09022015). Collection method: clinical testing. Allele origin: germline.
Comment: This sequence change replaces lysine, which is basic and polar, with glutamic acid, which is acidic and polar, at codon 426 of the SYNE2 protein (p.Lys426Glu). This variant is not present in population databases (gnomAD no frequency). This variant has not been reported in the literature in individuals affected with SYNE2-related conditions. An algorithm developed to predict the effect of missense changes on protein structure and function (PolyPhen-2) suggests that this variant is likely to be disruptive. In summary, the available evidence is currently insufficient to determine the role of this variant in disease. Therefore, it has been classified as a Variant of Uncertain Significance.